The following is an entry in ClinVar:

ClinVar aggregate classification (germline): Pathogenic/Likely pathogenic. Review status: criteria provided, multiple submitters, no conflicts (2 of 4 stars). 4 submissions from 4 submitters: Pathogenic (1); Likely pathogenic (2). 1 of the submissions does not count toward it. Last evaluated 2025-08-14.

Conditions:
Anauxetic dysplasia. Identifiers: Orphanet 93347, MedGen C1846796, MONDO:0011773.
Metaphyseal chondrodysplasia, McKusick type (CHH). Also called: Cartilage-hair hypoplasia; Cartilage-Hair Hypoplasia (CHH). Identifiers: Orphanet 175, MedGen C0220748, MONDO:0009595, OMIM 250250.

Allele frequency attached by ClinVar (database versions not stated): gnomAD exomes 0.00001.

Submissions (4):

Natera, Inc.
Classification: Likely pathogenic for Cartilage-hair hypoplasia. Last evaluated: 2025-08-14. Review status: criteria provided, single submitter. Criteria: Natera Variant Classification Schema (03/2026). Collection method: clinical testing. Allele origin: germline.
Comment: The n.-20_-2dupCTCTGTGAAGCTGAGGACG variant in RMRP is a duplication affecting the RMRP promoter region between the TATA box and the transcription initiation site. Other duplications and insertions just upstream of the transcription initiation site have been reported in individuals affected with cartilage-hair hypoplasia (PMID: 11207361, 17937437). This variant is rare in the general population with a frequency below the threshold expected for the associated phenotype(s). Given the available evidence, this variant is classified as Likely pathogenic.

Women's Health and Genetics/Laboratory Corporation of America, LabCorp
Classification: Likely pathogenic for Metaphyseal chondrodysplasia, McKusick type. Last evaluated: 2025-05-07. Review status: criteria provided, single submitter. Criteria: LabCorp Variant Classification Summary - May 2015. Collection method: clinical testing. Allele origin: germline.
Comment: Variant summary: RMRP n.-20_-2dup19 (also known as NC_000009.11: chr9:g.35658017_35658035dup19) is located in the promoter region of the RMRP gene which is located between the TATA box (at position -33 to -25) and the transcription initiation site (at +1). Other insertions or duplications in the promoter region of RMRP have been classified as pathogenic (internally and in ClinVar). The variant was absent in 127922 control chromosomes. To our knowledge, no occurrence of n.-20_-2dup19 in individuals affected with Cartilage-Hair Hypoplasia and no experimental evidence demonstrating its impact on protein function have been reported. Many other insertions or duplications in the promoter region of RMRP have been reported in affected individuals in the literature (e.g. PMIDs: 21956908, 21396580) and have been demonstrated through functional studies to lead to reduced RMRP transcription (e.g. PMIDs: 11207361, 16254002). ClinVar contains an entry for this variant (Variation ID: 554533). Based on the evidence outlined above, the variant was classified as likely pathogenic.

Labcorp Genetics (formerly Invitae), Labcorp
Classification: Pathogenic for Anauxetic dysplasia. Last evaluated: 2024-04-26. Review status: criteria provided, single submitter. Criteria: Invitae Variant Classification Sherloc (09022015). Collection method: clinical testing. Allele origin: germline.
Comment: This variant occurs in the RMRP gene, which encodes an RNA molecule that does not result in a protein product. This variant is present in population databases (no rsID available, gnomAD 0.002%). While this particular variant has not been reported in the literature, it is located in the promoter region between the TATA box and the transcription initiation site, and other insertions and duplications immediately upstream of the coding sequence have been reported in individuals affected with cartilage-hair hypoplasia-anauxetic dysplasia (CHH-AD) spectrum disorders (PMID: 16244706, 11207361, 12107819). ClinVar contains an entry for this variant (Variation ID: 554533). While functional studies for this variant have not been reported, experimental analyses using patient derived cells, as well as in vitro transfection studies, have shown that promoter insertions result in silencing of RMRP transcription and reduced expression of the gene product (PMID: 11207361, 16254002). For these reasons, this variant has been classified as Pathogenic.

Counsyl
Classification: Likely pathogenic for Metaphyseal chondrodysplasia, McKusick type. Last evaluated: 2017-10-24. Review status: no assertion criteria provided. Collection method: clinical testing. Allele origin: unknown. Not counted in ClinVar's aggregate classification.

Literature cited by the submitters: PubMed 11207361 (cited by Natera, Inc. and Labcorp Genetics (formerly Invitae), Labcorp); PubMed 17937437 (cited by Natera, Inc.); PubMed 16244706 (cited by Labcorp Genetics (formerly Invitae), Labcorp); PubMed 12107819 (cited by Labcorp Genetics (formerly Invitae), Labcorp); PubMed 16254002 (cited by Labcorp Genetics (formerly Invitae), Labcorp).

NR_003051.3(RMRP):n.-20_-2dupCTCTGTGAAGCTGAGGACG

Gene: RMRP (RNA component of mitochondrial RNA processing endoribonuclease; minus strand). Cytogenetic location: 9p13.3.
Variant type: Duplication.
Genome position: GRCh38 VCF-style: chr9-35658019-A-ACGTCCTCAGCTTCACAGAG. GRCh37 (hg19) VCF-style: chr9-35658016-A-ACGTCCTCAGCTTCACAGAG.
Identifiers: ClinVar variation 554533 (VCV000554533.10), dbSNP rs1554651404, ClinGen allele CA587570192.
Genomic context (GRCh38, chr9:35,658,019, plus strand): 5'-GAAAGGGGAGGAACAGAGTCCTCAGTGTGTAGCCTAGGATACAGGCCTTCAGCACGAACC[A>ACGTCCTCAGCTTCACAGAG]CGTCCTCAGCTTCACAGAGTAGTATTTTATAGCCCTAAAGAAATTGTGTTTTATGATTAG-3'